The following is an entry in ClinVar:

ClinVar aggregate classification (germline): Uncertain significance (1 of 4 stars; one submission).

gnomAD v4.1: 1 of 1,589,270 alleles (0.000063%); highest among the groups gnomAD compares: Non-Finnish European, 0.000086%; no homozygotes.

Submission:

GeneDx
Classification: Uncertain significance. Last evaluated: 2024-06-14. Review status: criteria provided, single submitter. Criteria: GeneDx Variant Classification Process June 2021. Collection method: clinical testing. Allele origin: germline. Affected: yes.
Comment: Not observed at significant frequency in large population cohorts (gnomAD); In silico analysis supports that this missense variant has a deleterious effect on protein structure/function; This variant is associated with the following publications: (PMID: 26500004)

NM_000492.4(CFTR):c.146T>C (p.Leu49Pro)

Gene: CFTR (CF transmembrane conductance regulator; plus strand). Cytogenetic location: 7q31.2.
Variant type: single nucleotide variant.
Coding change: c.146T>C on transcript NM_000492.4 (MANE Select); coding-DNA position 146, T replaced by C.
Protein change: p.Leu49Pro; replaces leucine 49 with proline.
Molecular consequence: missense variant.
Genome position (GRCh38, 1-based): chr7:117,504,345, T>C. VCF-style: chr7-117504345-T-C. GRCh37 (hg19) VCF-style: chr7-117144399-T-C.
Other names: short protein forms L49P.
Identifiers: ClinVar variation 3390562 (VCV003390562.1).